The following is an entry in ClinVar:

ClinVar aggregate classification (germline): Uncertain significance (1 of 4 stars; one submission).

Submission:

Labcorp Genetics (formerly Invitae), Labcorp
Classification: Uncertain significance. Last evaluated: 2025-02-23. Review status: criteria provided, single submitter. Criteria: Invitae Variant Classification Sherloc (09022015). Collection method: clinical testing. Allele origin: germline.
Comment: This sequence change replaces proline, which is neutral and non-polar, with serine, which is neutral and polar, at codon 646 of the COL9A2 protein (p.Pro646Ser). This variant is not present in population databases (gnomAD no frequency). This variant has not been reported in the literature in individuals affected with COL9A2-related conditions. ClinVar contains an entry for this variant (Variation ID: 1445023). Invitae Evidence Modeling of protein sequence and biophysical properties (such as structural, functional, and spatial information, amino acid conservation, physicochemical variation, residue mobility, and thermodynamic stability) indicates that this missense variant is not expected to disrupt COL9A2 protein function with a negative predictive value of 95%. In summary, the available evidence is currently insufficient to determine the role of this variant in disease. Therefore, it has been classified as a Variant of Uncertain Significance.

NM_001852.4(COL9A2):c.1936C>T (p.Pro646Ser)

Gene: COL9A2 (collagen type IX alpha 2 chain; minus strand). Cytogenetic location: 1p34.2.
Variant type: single nucleotide variant.
Coding change: c.1936C>T on transcript NM_001852.4 (MANE Select); coding-DNA position 1936, C replaced by T.
Protein change: p.Pro646Ser; replaces proline 646 with serine.
Molecular consequence: missense variant.
Genome position (GRCh38, 1-based): chr1:40,301,316, G>A on the plus strand (C>T on the coding strand, the complement: COL9A2 is on the minus strand). VCF-style: chr1-40301316-G-A. GRCh37 (hg19) VCF-style: chr1-40766988-G-A.
Other names: short protein forms P646S.
Identifiers: ClinVar variation 1445023 (VCV001445023.8), dbSNP rs2124031874, ClinGen allele CA339874134.